The following is an entry in ClinVar:

NM_000038.6(APC):c.7606C>T (p.Pro2536Ser)

Gene: APC (APC regulator of Wnt signaling pathway; plus strand). Cytogenetic location: 5q22.2.
Variant type: single nucleotide variant.
Coding change: c.7606C>T on transcript NM_000038.6 (MANE Select); coding-DNA position 7606, C replaced by T.
Protein change: p.Pro2536Ser; replaces proline 2536 with serine.
Molecular consequence: missense variant.
Genome position (GRCh38, 1-based): chr5:112,843,200, C>T. VCF-style: chr5-112843200-C-T. GRCh37 (hg19) VCF-style: chr5-112178897-C-T.
Other names: c.7606C>T, p.Pro2536Ser (NM_001127510.3, NM_001354895.2); c.7552C>T, p.Pro2518Ser (NM_001127511.3); c.7660C>T, p.Pro2554Ser (NM_001354896.2); c.7636C>T, p.Pro2546Ser (NM_001354897.2); c.7531C>T, p.Pro2511Ser (NM_001354898.2); c.7522C>T, p.Pro2508Ser (NM_001354899.2); c.7483C>T, p.Pro2495Ser (NM_001354900.2); c.7429C>T, p.Pro2477Ser (NM_001354901.2); and 5 more; short protein forms P2518S, P2536S, P2435S, P2477S, P2508S, P2511S, P2376S, P2410S.
Identifiers: ClinVar variation 566440 (VCV000566440.14), dbSNP rs1561616981, ClinGen allele CA16037857.
Genomic context (GRCh38, chr5:112,843,200, plus strand): 5'-GAGTATAATGATGGAAGACCAGCAAAGCGCCATGATATTGCACGGTCTCATTCTGAAAGT[C>T]CTTCTAGACTTCCAATCAATAGGTCAGGAACCTGGAAACGTGAGCACAGCAAACATTCAT-3'
Protein context (NP_000029.2, residues 2526-2546): HDIARSHSES[Pro2536Ser]SRLPINRSGT

ClinVar aggregate classification (germline): Uncertain significance. Review status: criteria provided, multiple submitters, no conflicts (2 of 4 stars). 3 submissions from 3 submitters: Uncertain significance (3). Last evaluated 2025-08-09.

Conditions:
Familial adenomatous polyposis 1 (FAP1). Also called: FAMILIAL ADENOMATOUS POLYPOSIS 1, ATTENUATED; POLYPOSIS, ADENOMATOUS INTESTINAL. Identifiers: MedGen C2713442, MONDO:0021056, OMIM 175100. Disease mechanism: loss of function.
Hereditary cancer-predisposing syndrome. Also called: Neoplastic Syndromes, Hereditary; Tumor predisposition; Hereditary neoplastic syndrome; Hereditary Cancer Syndrome. Identifiers: Orphanet 140162, MedGen C0027672, MeSH D009386, MONDO:0015356.

Submissions (3):

Ambry Genetics
Classification: Uncertain significance for Hereditary cancer-predisposing syndrome. Last evaluated: 2025-08-09. Review status: criteria provided, single submitter. Criteria: Ambry Variant Classification Scheme 2023. Collection method: clinical testing. Allele origin: germline.

Color Diagnostics, LLC DBA Color Health
Classification: Uncertain significance for Hereditary cancer-predisposing syndrome. Last evaluated: 2024-03-06. Review status: criteria provided, single submitter. Criteria: ACMG Guidelines, 2015. Collection method: clinical testing. Allele origin: germline.
Comment: This missense variant replaces proline with serine at codon 2536 of the APC protein. Computational prediction is inconclusive regarding the impact of this variant on protein structure and function (internally defined REVEL score threshold 0.5 < inconclusive < 0.7, PMID: 27666373). To our knowledge, functional studies have not been reported for this variant. This variant has not been reported in individuals affected with hereditary cancer in the literature. This variant has not been identified in the general population by the Genome Aggregation Database (gnomAD). The available evidence is insufficient to determine the role of this variant in disease conclusively. Therefore, this variant is classified as a Variant of Uncertain Significance.

Labcorp Genetics (formerly Invitae), Labcorp
Classification: Uncertain significance for Familial adenomatous polyposis 1. Last evaluated: 2018-03-18. Review status: criteria provided, single submitter. Criteria: Invitae Variant Classification Sherloc (09022015). Collection method: clinical testing. Allele origin: germline.
Comment: In summary, the available evidence is currently insufficient to determine the role of this variant in disease. Therefore, it has been classified as a Variant of Uncertain Significance. Algorithms developed to predict the effect of missense changes on protein structure and function do not agree on the potential impact of this missense change (SIFT: "Deleterious"; PolyPhen-2: "Probably Damaging"; Align-GVGD: "Class C0"). This variant has not been reported in the literature in individuals with APC-related disease. This variant is not present in population databases (ExAC no frequency). This sequence change replaces proline with serine at codon 2536 of the APC protein (p.Pro2536Ser). The proline residue is highly conserved and there is a moderate physicochemical difference between proline and serine.